The following is an entry in ClinVar:

ClinVar aggregate classification (germline): Pathogenic. Review status: reviewed by expert panel (3 of 4 stars). 5 submissions from 5 submitters: Pathogenic (1). 4 of the submissions do not count toward it. Last evaluated 2016-09-08.

Conditions:
Fanconi anemia, complementation group S (FANCS). Identifiers: MedGen C4554406, MONDO:0054748, OMIM 617883.
Breast-ovarian cancer, familial, susceptibility to, 1 (BROVCA1). Also called: OVARIAN CANCER, SUSCEPTIBILITY TO; BRCA1 Hereditary Breast and Ovarian Cancer. Identifiers: Orphanet 145, MedGen C2676676, MONDO:0011450, OMIM 604370. Disease mechanism: loss of function.

Submissions (5):

Evidence-based Network for the Interpretation of Germline Mutant Alleles (ENIGMA)
Classification: Pathogenic for Breast-ovarian cancer, familial, susceptibility to, 1. Last evaluated: 2016-09-08. Review status: reviewed by expert panel. Criteria: ENIGMA BRCA1/2 Classification Criteria (2015). Collection method: curation. Allele origin: germline.
Comment: Variant allele predicted to encode a truncated non-functional protein.

All of Us Research Program, National Institutes of Health
Classification: Pathogenic for Breast-ovarian cancer, familial, susceptibility to, 1. Last evaluated: 2023-10-02. Review status: criteria provided, single submitter. Criteria: ACMG Guidelines, 2015. Collection method: clinical testing. Allele origin: germline. Inheritance: Autosomal dominant inheritance. Observed: 1 variant allele, 1 heterozygote. Not counted in ClinVar's aggregate classification.
Comment: This variant changes 1 nucleotide in exon 10 of the BRCA1 gene, creating a premature translation stop signal. This variant is expected to result in an absent or non-functional protein product. This variant has been reported in an individual affected with ovarian cancer (PMID: 12599199) and in one family among the CIMBA participants (PMID: 29446198). This variant has not been identified in the general population by the Genome Aggregation Database (gnomAD). Loss of BRCA1 function is a known mechanism of disease. Based on the available evidence, this variant is classified as Pathogenic.

This study involves interpretation of variants in research participants for the purpose of population health screening. Participant phenotype was not available at the time of variant classification. Additional details can be found in publication PMID: 35346344, PMCID: PMC8962531

Department of Pathology and Laboratory Medicine, Sinai Health System
Classification: Pathogenic for Fanconi anemia, complementation group S. Last evaluated: 2020-01-07. Review status: criteria provided, single submitter. Criteria: ACMG Guidelines, 2015. Collection method: clinical testing. Allele origin: germline. Affected: no. Not counted in ClinVar's aggregate classification.

Consortium of Investigators of Modifiers of BRCA1/2 (CIMBA), c/o University of Cambridge
Classification: Pathogenic for Breast-ovarian cancer, familial, susceptibility to, 1. Last evaluated: 2015-10-02. Review status: criteria provided, single submitter. Criteria: CIMBA Mutation Classification guidelines May 2016. Collection method: clinical testing. Allele origin: germline. Not counted in ClinVar's aggregate classification.

Breast Cancer Information Core (BIC) (BRCA1)
Classification: Pathogenic for Breast-ovarian cancer, familial 1. Last evaluated: 2002-05-29. Review status: no assertion criteria provided. Collection method: clinical testing. Allele origin: germline. Affected: yes. Observed: 1 variant allele. Not counted in ClinVar's aggregate classification.

Literature cited by the submitters: PubMed 12599199 (cited by All of Us Research Program, National Institutes of Health); PubMed 29446198 (cited by All of Us Research Program, National Institutes of Health).

NM_007294.4(BRCA1):c.1912G>T (p.Glu638Ter)

Gene: BRCA1 (BRCA1 DNA repair associated; minus strand). Cytogenetic location: 17q21.31.
Variant type: single nucleotide variant.
Coding change: c.1912G>T on transcript NM_007294.4 (MANE Select); coding-DNA position 1912, G replaced by T.
Protein change: p.Glu638Ter; replaces glutamic acid 638 with a stop codon.
Molecular consequence: nonsense. On other transcripts: intron variant (137).
Genome position (GRCh38, 1-based): chr17:43,093,619, C>A on the plus strand (G>T on the coding strand, the complement: BRCA1 is on the minus strand). VCF-style: chr17-43093619-C-A. GRCh37 (hg19) VCF-style: chr17-41245636-C-A.
Other names: c.1699G>T, p.Glu567Ter (NM_001407571.1, NM_001407853.1, NM_001407894.1 and 9 more transcripts); c.1912G>T, p.Glu638Ter (NM_001407581.1, NM_001407582.1, NM_001407583.1 and 30 more transcripts); c.1909G>T, p.Glu637Ter (NM_001407587.1, NM_001407590.1, NM_001407591.1 and 22 more transcripts); c.1903G>T, p.Glu635Ter (NM_001407646.1, NM_001407647.1); c.1789G>T, p.Glu597Ter (NM_001407648.1, NM_001407664.1, NM_001407665.1 and 19 more transcripts); c.1786G>T, p.Glu596Ter (NM_001407649.1, NM_001407670.1, NM_001407671.1 and 11 more transcripts); c.1834G>T, p.Glu612Ter (NM_001407653.1, NM_001407654.1, NM_001407655.1 and 4 more transcripts); c.1831G>T, p.Glu611Ter (NM_001407659.1, NM_001407660.1, NM_001407661.1 and 1 more transcripts); and 40 more; short protein forms E638*, E591*, E510*, E550*, E567*, E511*, E526*, E568*.
Identifiers: ClinVar variation 54397 (VCV000054397.7), dbSNP rs80357005, ClinGen allele CA001256.